The following is an entry in ClinVar:

NM_145178.4(ATOH7):c.275T>C (p.Leu92Pro)

Gene: ATOH7 (atonal bHLH transcription factor 7; minus strand). Cytogenetic location: 10q21.3.
Variant type: single nucleotide variant.
Coding change: c.275T>C on transcript NM_145178.4 (MANE Select); coding-DNA position 275, T replaced by C.
Protein change: p.Leu92Pro; replaces leucine 92 with proline.
Molecular consequence: missense variant.
Genome position (GRCh38, 1-based): chr10:68,231,403, A>G on the plus strand (T>C on the coding strand, the complement: ATOH7 is on the minus strand). VCF-style: chr10-68231403-A-G. GRCh37 (hg19) VCF-style: chr10-69991160-A-G.
Other names: short protein forms L92P.
Identifiers: ClinVar variation 954266 (VCV000954266.9), dbSNP rs2044025798, ClinGen allele CA376835791.

ClinVar aggregate classification (germline): Uncertain significance (1 of 4 stars; one submission).

Submission:

Labcorp Genetics (formerly Invitae), Labcorp
Classification: Uncertain significance. Last evaluated: 2022-07-25. Review status: criteria provided, single submitter. Criteria: Invitae Variant Classification Sherloc (09022015). Collection method: clinical testing. Allele origin: germline.
Comment: This variant is not present in population databases (gnomAD no frequency). This sequence change replaces leucine, which is neutral and non-polar, with proline, which is neutral and non-polar, at codon 92 of the ATOH7 protein (p.Leu92Pro). This variant has not been reported in the literature in individuals affected with ATOH7-related conditions. ClinVar contains an entry for this variant (Variation ID: 954266). Algorithms developed to predict the effect of missense changes on protein structure and function (SIFT, PolyPhen-2, Align-GVGD) all suggest that this variant is likely to be disruptive. In summary, the available evidence is currently insufficient to determine the role of this variant in disease. Therefore, it has been classified as a Variant of Uncertain Significance.